The following is an entry in ClinVar:

ClinVar aggregate classification (germline): Benign (1 of 4 stars; one submission).

Conditions:
Woodhouse-Sakati syndrome. Also called: Hypogonadism, Alopecia, Diabetes Mellitus, Mental Retardation, and Extrapyramidal Syndrome; Hypogonadism, diabetes mellitus, alopecia, mental retardation and electrocardiographic abnormalities; EXTRAPYRAMIDAL DISORDER, PROGRESSIVE, WITH PRIMARY HYPOGONADISM, MENTAL RETARDATION, AND ALOPECIA. Identifiers: Orphanet 3464, MedGen C0342286, MONDO:0009419, OMIM 241080.

Allele frequency attached by ClinVar (database versions not stated): ExAC 0.00103; gnomAD 0.00114 and 0.00143; gnomAD exomes 0.00211 and 0.00398; TOPMed 0.00221; 1000 Genomes Project 30x 0.00453; 1000 Genomes Project 0.00499.
gnomAD v4.1: 835 of 448,390 alleles (0.19%); highest among the groups gnomAD compares: East Asian, 1.6%; 6 homozygotes.

Submission:

Illumina Laboratory Services, Illumina
Classification: Benign for Woodhouse-Sakati syndrome. Last evaluated: 2017-04-27. Review status: criteria provided, single submitter. Criteria: ICSL Variant Classification Criteria 13 December 2019. Collection method: clinical testing. Allele origin: germline.
Comment: This variant was observed as part of a predisposition screen in an ostensibly healthy population. A literature search was performed for the gene, cDNA change, and amino acid change (where applicable). No publications were found based on this search. Allele frequency data from public databases was too high to be consistent with this variant causing disease. Therefore, this variant is classified as benign.

NM_025000.4(DCAF17):c.*1034G>A

Gene: DCAF17 (DDB1 and CUL4 associated factor 17; plus strand). Cytogenetic location: 2q31.1.
Variant type: single nucleotide variant.
Coding change: c.*1034G>A on transcript NM_025000.4 (MANE Select); 1034 bases downstream of the stop codon, G replaced by A.
Molecular consequence: 3 prime UTR variant. On other transcripts: non-coding transcript variant (1).
Genome position (GRCh38, 1-based): chr2:171,482,148, G>A. VCF-style: chr2-171482148-G-A. GRCh37 (hg19) VCF-style: chr2-172338658-G-A.
Other names: c.*1034G>A (NM_001164821.2).
Identifiers: ClinVar variation 893086 (VCV000893086.4), dbSNP rs3731979, ClinGen allele CA1965054.
Genomic context (GRCh38, chr2:171,482,148, plus strand): 5'-GGAAAGATCTAAATATGGTCCTTGACTTTTAATAATCATTCTTTAGAATGTTAAATAAAG[G>A]CAACCCAAGTAAAGGGAGAAAATGTTTCTTTGTGCTTCCTGTTTGAGAAATTCAGTTGCT-3'